The following is an entry in ClinVar:

NM_006206.6(PDGFRA):c.1517_1518delinsCT (p.Leu506Pro)

Gene: PDGFRA (platelet derived growth factor receptor alpha; plus strand). Cytogenetic location: 4q12.
Variant type: Indel.
Coding change: c.1517_1518delinsCT on transcript NM_006206.6 (MANE Select); coding-DNA positions 1517 to 1518, TC replaced by CT.
Protein change: p.Leu506Pro; replaces leucine 506 with proline.
Molecular consequence: missense variant.
Genome position (GRCh38, 1-based): chr4:54,273,689-54,273,690, TC replaced by CT. VCF-style: chr4-54273689-TC-CT. GRCh37 (hg19) VCF-style: chr4-55139856-TC-CT.
Other names: c.1517_1518delinsCT, p.Leu506Pro (NM_001347827.2, NM_001347829.2); c.1592_1593delinsCT, p.Leu531Pro (NM_001347828.2); c.1556_1557delinsCT, p.Leu519Pro (NM_001347830.2); short protein forms L519P, L531P, L506P.
Identifiers: ClinVar variation 578476 (VCV000578476.7), dbSNP rs1560479141, ClinGen allele CA891842614.

ClinVar aggregate classification (germline): Uncertain significance (1 of 4 stars; one submission).

Conditions:
Gastrointestinal stromal tumor. Also called: Gastrointestinal stromal tumor, somatic; Gastrointestinal stroma tumor. Identifiers: Orphanet 44890, MedGen C0238198, MeSH D046152, MONDO:0011719, OMIM 606764, HP:0100723.

Submission:

Labcorp Genetics (formerly Invitae), Labcorp
Classification: Uncertain significance for Gastrointestinal stromal tumor. Last evaluated: 2018-05-30. Review status: criteria provided, single submitter. Criteria: Invitae Variant Classification Sherloc (09022015). Collection method: clinical testing. Allele origin: germline.
Comment: In summary, the available evidence is currently insufficient to determine the role of this variant in disease. Therefore, it has been classified as a Variant of Uncertain Significance. Algorithms developed to predict the effect of missense changes on protein structure and function output the following: SIFT: "tolerated"; PolyPhen-2: "Benign"; Align-GVGD: "Class C0". The proline amino acid residue is found in multiple mammalian species, suggesting that this missense change does not adversely affect protein function. These predictions have not been confirmed by published functional studies and their clinical significance is uncertain. This variant has not been reported in the literature in individuals with PDGFRA-related disease. This variant is not present in population databases (ExAC no frequency). This sequence change replaces leucine with proline at codon 506 of the PDGFRA protein (p.Leu506Pro). The leucine residue is weakly conserved and there is a moderate physicochemical difference between leucine and proline.